The following is an entry in ClinVar:

ClinVar aggregate classification (germline): Uncertain significance (1 of 4 stars; one submission).

Allele frequency attached by ClinVar (database versions not stated): gnomAD exomes 0.00001; ExAC 0.00002; gnomAD 0.00003; TOPMed 0.00005.
gnomAD v4.1: 26 of 1,614,114 alleles (0.0016%); highest among the groups gnomAD compares: African/African-American, 0.004%; no homozygotes.

Submission:

Labcorp Genetics (formerly Invitae), Labcorp
Classification: Uncertain significance. Last evaluated: 2023-10-06. Review status: criteria provided, single submitter. Criteria: Invitae Variant Classification Sherloc (09022015). Collection method: clinical testing. Allele origin: germline.
Comment: This sequence change replaces arginine, which is basic and polar, with cysteine, which is neutral and slightly polar, at codon 32 of the ATP2B2 protein (p.Arg32Cys). This variant is present in population databases (rs761073766, gnomAD 0.007%). This missense change has been observed in individual(s) with ATP2B2-related conditions (PMID: 31785789). Advanced modeling of protein sequence and biophysical properties (such as structural, functional, and spatial information, amino acid conservation, physicochemical variation, residue mobility, and thermodynamic stability) performed at Invitae indicates that this missense variant is not expected to disrupt ATP2B2 protein function. In summary, the available evidence is currently insufficient to determine the role of this variant in disease. Therefore, it has been classified as a Variant of Uncertain Significance.

Literature cited by the submitters: PubMed 31785789.

NM_001001331.4(ATP2B2):c.94C>T (p.Arg32Cys)

Gene: ATP2B2 (ATPase plasma membrane Ca2+ transporting 2; minus strand). Cytogenetic location: 3p25.3.
Variant type: single nucleotide variant.
Coding change: c.94C>T on transcript NM_001001331.4 (MANE Select); coding-DNA position 94, C replaced by T.
Protein change: p.Arg32Cys; replaces arginine 32 with cysteine.
Molecular consequence: missense variant.
Genome position (GRCh38, 1-based): chr3:10,449,450, G>A on the plus strand (C>T on the coding strand, the complement: ATP2B2 is on the minus strand). VCF-style: chr3-10449450-G-A. GRCh37 (hg19) VCF-style: chr3-10491134-G-A.
Other names: c.94C>T, p.Arg32Cys (NM_001330611.3, NM_001353564.1, NM_001363862.1 and 1 more transcripts); short protein forms R32C.
Identifiers: ClinVar variation 2890778 (VCV002890778.3), dbSNP rs761073766, ClinGen allele CA2254109.
Genomic context (GRCh38, chr3:10,449,450, plus strand): 5'-CCCCATAAGTCTCCTTGATCTTGACCACAGCCTCAGTGCCCCGCAGCTCCATGAGGGAGC[G>A]GAGCTCCTCCATTGTGCACCCGAACTCGCCCCCATGGCTCGACTCATTTCTTTGGTTTTT-3'
Protein context (NP_001001331.1, residues 22-42): GEFGCTMEEL[Arg32Cys]SLMELRGTEA